The following is an entry in ClinVar:

NM_015261.3(NCAPD3):c.795-4T>A

Gene: NCAPD3 (non-SMC condensin II complex subunit D3; minus strand). Cytogenetic location: 11q25.
Variant type: single nucleotide variant.
Coding change: c.795-4T>A on transcript NM_015261.3 (MANE Select); 4 bases into the intron before coding-DNA position 795, T replaced by A.
Molecular consequence: intron variant.
Genome position (GRCh38, 1-based): chr11:134,208,955, A>T on the plus strand (T>A on the coding strand, the complement: NCAPD3 is on the minus strand). VCF-style: chr11-134208955-A-T. GRCh37 (hg19) VCF-style: chr11-134078849-A-T.
Other names: c.795-4T>A (NM_001372065.1, NM_001372068.1); c.381-4T>A (NM_001372070.1, NM_001372069.1).
Identifiers: ClinVar variation 3040235 (VCV003040235.3), dbSNP rs183363104, ClinGen allele CA231308295.

ClinVar aggregate classification (germline): Likely benign. Review status: criteria provided, single submitter (1 of 4 stars). 2 submissions from 2 submitters: Likely benign (1). 1 of the submissions does not count toward it. Last evaluated 2022-01-27.

Conditions:
NCAPD3-related disorder. Also called: NCAPD3-related condition.

Allele frequency attached by ClinVar (database versions not stated): gnomAD exomes below 0.00001; TOPMed below 0.00001.
gnomAD v4.1: 3 of 1,582,416 alleles (0.00019%); highest among the groups gnomAD compares: African/African-American, 0.0027%; no homozygotes.

Submissions (2):

Blueprint Genetics
Classification: Likely benign. Last evaluated: 2022-01-27. Review status: criteria provided, single submitter. Criteria: ACMG Guidelines, 2015. Collection method: clinical testing. Allele origin: germline.

PreventionGenetics, part of Exact Sciences
Classification: Likely benign for NCAPD3-related condition. Last evaluated: 2021-10-22. Review status: no assertion criteria provided. Collection method: clinical testing. Allele origin: germline. Not counted in ClinVar's aggregate classification.
Comment: This variant is classified as likely benign based on ACMG/AMP sequence variant interpretation guidelines (Richards et al. 2015 PMID: 25741868, with internal and published modifications).